The following is an entry in ClinVar:

ClinVar aggregate classification (germline): Uncertain significance (1 of 4 stars; one submission).

Conditions:
Neuropathy, hereditary sensory, type 2C. Also called: KIF1A-Related HSAN2 (HSAN2C); Hereditary sensory and autonomic neuropathy type IIC. Identifiers: Orphanet 970, MedGen C3280168, MONDO:0013634, OMIM 614213.
Hereditary spastic paraplegia 30. Identifiers: Orphanet 101010, MedGen C5235139, MONDO:0012476.
Intellectual disability, autosomal dominant 9 (NESCAVS). Also called: KIF1A-Related Neurodevelopmental Disorder; NESCAV SYNDROME. Identifiers: Orphanet 662367, MedGen C5393830, MONDO:0013656, OMIM 614255.

Submission:

Labcorp Genetics (formerly Invitae), Labcorp
Classification: Uncertain significance for Hereditary spastic paraplegia 30; Neuropathy, hereditary sensory, type 2C; Intellectual disability, autosomal dominant 9. Last evaluated: 2025-10-01. Review status: criteria provided, single submitter. Criteria: Invitae Variant Classification Sherloc (09022015). Collection method: clinical testing. Allele origin: germline.
Comment: This sequence change replaces arginine, which is basic and polar, with leucine, which is neutral and non-polar, at codon 593 of the KIF1A protein (p.Arg593Leu). This variant is not present in population databases (gnomAD no frequency). This variant has not been reported in the literature in individuals affected with KIF1A-related conditions. Invitae Evidence Modeling of protein sequence and biophysical properties (such as structural, functional, and spatial information, amino acid conservation, physicochemical variation, residue mobility, and thermodynamic stability) indicates that this missense variant is expected to disrupt KIF1A protein function with a positive predictive value of 80%. In summary, the available evidence is currently insufficient to determine the role of this variant in disease. Therefore, it has been classified as a Variant of Uncertain Significance.

NM_001244008.2(KIF1A):c.1805G>T (p.Arg602Leu)

Gene: KIF1A (kinesin family member 1A; minus strand). Cytogenetic location: 2q37.3.
Variant type: single nucleotide variant.
Coding change: c.1805G>T on transcript NM_001244008.2 (MANE Select); coding-DNA position 1805, G replaced by T.
Protein change: p.Arg602Leu; replaces arginine 602 with leucine.
Molecular consequence: missense variant.
Genome position (GRCh38, 1-based): chr2:240,763,310, C>A on the plus strand (G>T on the coding strand, the complement: KIF1A is on the minus strand). VCF-style: chr2-240763310-C-A. GRCh37 (hg19) VCF-style: chr2-241702727-C-A.
Other names: c.1805G>T, p.Arg602Leu (NM_001320705.2, NM_001330289.2, NM_001379638.1); c.1880G>T, p.Arg627Leu (NM_001330290.2, NM_001379631.1, NM_001379634.1 and 2 more transcripts); c.1778G>T, p.Arg593Leu (NM_001379632.1, NM_001379633.1, NM_001379636.1 and 10 more transcripts); c.1853G>T, p.Arg618Leu (NM_001379637.1, NM_001379648.1); short protein forms R602L, R618L, R593L, R627L.
Identifiers: ClinVar variation 4788473 (VCV004788473.1).
Genomic context (GRCh38, chr2:240,763,310, plus strand): 5'-GGCGTCTCCGCACAAGGCGTGCGCTCACGCTCCTGCCGGGCCTGCTCGGGGTGGTTGAAC[C>A]GGAACACATGGCTCTTACCCATGATGATGCGGTTTCCTGGGGAACAGAGGGACAGGTGGC-3'
Protein context (NP_001230937.1, residues 592-612): RIIMGKSHVF[Arg602Leu]FNHPEQARQE